The following is an entry in ClinVar:

ClinVar aggregate classification (germline): Uncertain significance. Review status: criteria provided, multiple submitters, no conflicts (2 of 4 stars). 2 submissions from 2 submitters: Uncertain significance (2). Last evaluated 2024-04-19.

Conditions:
Bainbridge-Ropers syndrome. Also called: Severe feeding difficulties-failure to thrive-microcephaly due to ASXL3 deficiency syndrome. Identifiers: Orphanet 352577, MedGen C4750837, MONDO:0014205, OMIM 615485.

Allele frequency attached by ClinVar (database versions not stated): TOPMed below 0.00001; gnomAD 0.00001.
gnomAD v4.1: 1 of 1,613,348 alleles (0.000062%); highest among the groups gnomAD compares: African/African-American, 0.0013%; no homozygotes.

Submissions (2):

GeneDx
Classification: Uncertain significance. Last evaluated: 2024-04-19. Review status: criteria provided, single submitter. Criteria: GeneDx Variant Classification Process June 2021. Collection method: clinical testing. Allele origin: germline. Affected: yes.
Comment: Not observed at significant frequency in large population cohorts (gnomAD); In silico analysis indicates that this missense variant does not alter protein structure/function; Has not been previously published as pathogenic or benign to our knowledge

Revvity Omics, Revvity
Classification: Uncertain significance for Bainbridge-Ropers syndrome. Last evaluated: 2021-09-22. Review status: criteria provided, single submitter. Criteria: ACMG Guidelines, 2015. Collection method: clinical testing. Allele origin: germline.

NM_030632.3(ASXL3):c.1716A>G (p.Ile572Met)

Gene: ASXL3 (ASXL transcriptional regulator 3; plus strand). Cytogenetic location: 18q12.1.
Variant type: single nucleotide variant.
Coding change: c.1716A>G on transcript NM_030632.3 (MANE Select); coding-DNA position 1716, A replaced by G.
Protein change: p.Ile572Met; replaces isoleucine 572 with methionine.
Molecular consequence: missense variant.
Genome position (GRCh38, 1-based): chr18:33,739,120, A>G. VCF-style: chr18-33739120-A-G. GRCh37 (hg19) VCF-style: chr18-31319084-A-G.
Other names: c.1716A>G (NM_030632.1); short protein forms I572M.
Identifiers: ClinVar variation 2439302 (VCV002439302.4), dbSNP rs1334155381, ClinGen allele CA402176183.